The following is an entry in ClinVar:

NM_001130965.3(SUN1):c.563G>A (p.Cys188Tyr)

Gene: SUN1 (Sad1 and UNC84 domain containing 1; plus strand). Cytogenetic location: 7p22.3.
Variant type: single nucleotide variant.
Coding change: c.563G>A on transcript NM_001130965.3 (MANE Select); coding-DNA position 563, G replaced by A.
Protein change: p.Cys188Tyr; replaces cysteine 188 with tyrosine.
Molecular consequence: missense variant. On other transcripts: 5 prime UTR variant (3), non-coding transcript variant (3), intron variant (1).
Genome position (GRCh38, 1-based): chr7:843,425, G>A. VCF-style: chr7-843425-G-A. GRCh37 (hg19) VCF-style: chr7-883062-G-A.
Other names: c.563G>A, p.Cys188Tyr (NM_001367682.1, NM_001367683.1, NM_001367685.1 and 32 more transcripts); c.413G>A, p.Cys138Tyr (NM_001367684.1, NM_001367686.1, NM_001367689.1 and 24 more transcripts); c.-5G>A (NM_001367708.1, NM_001367639.1); c.626G>A, p.Cys209Tyr (NM_001171945.2); c.106G>A, p.Ala36Thr (NM_001367635.1); c.782G>A, p.Cys261Tyr (NM_001367651.1); c.-199G>A (NM_001367658.1); c.590G>A, p.Cys197Tyr (NM_001367669.1); and 2 more; short protein forms A36T, C188Y, C197Y, C261Y, C125Y, C138Y, C209Y.
Identifiers: ClinVar variation 1945051 (VCV001945051.5), dbSNP rs558976493, ClinGen allele CA152403413.

ClinVar aggregate classification (germline): Uncertain significance (1 of 4 stars; one submission).

Conditions:
Emery-Dreifuss muscular dystrophy (EDMD). Also called: Scapuloperoneal syndrome, X-linked (formerly); Humeroperoneal neuromuscular disease, (formerly). Identifiers: Orphanet 261, MedGen C0410189, MONDO:0016830.

Submission:

Labcorp Genetics (formerly Invitae), Labcorp
Classification: Uncertain significance for Emery-Dreifuss muscular dystrophy. Last evaluated: 2022-04-15. Review status: criteria provided, single submitter. Criteria: Invitae Variant Classification Sherloc (09022015). Collection method: clinical testing. Allele origin: germline.
Comment: In summary, the available evidence is currently insufficient to determine the role of this variant in disease. Therefore, it has been classified as a Variant of Uncertain Significance. Algorithms developed to predict the effect of missense changes on protein structure and function are either unavailable or do not agree on the potential impact of this missense change (SIFT: "Deleterious"; PolyPhen-2: "Probably Damaging"; Align-GVGD: "Class C0"). This variant has not been reported in the literature in individuals affected with SUN1-related conditions. This variant is not present in population databases (gnomAD no frequency). This sequence change replaces cysteine, which is neutral and slightly polar, with tyrosine, which is neutral and polar, at codon 188 of the SUN1 protein (p.Cys188Tyr).